The following is an entry in ClinVar:

ClinVar aggregate classification (germline): Benign. Review status: criteria provided, multiple submitters, no conflicts (2 of 4 stars). 5 submissions from 5 submitters: Benign (5). Last evaluated 2026-09-21.

Conditions:
Sitosterolemia 1. Identifiers: MedGen C2749759, MONDO:0020747, OMIM 210250.

Allele frequency attached by ClinVar (database versions not stated): gnomAD 0.35802 and 0.34551; TOPMed 0.34188; gnomAD exomes 0.42716; 1000 Genomes Project 0.43450; ESP Exome Variant Server 0.31978; 1000 Genomes Project 30x 0.41755; ExAC 0.42945.
gnomAD v4.1: 643,255 of 1,592,152 alleles (40%); highest among the groups gnomAD compares: East Asian, 85%; 137,609 homozygotes.

Submissions (5):

Molecular Diagnostic Laboratory for Inherited Cardiovascular Disease, Montreal Heart Institute
Classification: Benign. Last evaluated: 2026-09-21. Review status: criteria provided, single submitter. Criteria: ACMG Guidelines, 2015. Collection method: clinical testing. Allele origin: germline. Affected: no.
Comment: BA1

Mayo Clinic Laboratories, Mayo Clinic
Classification: Benign. Last evaluated: 2022-05-05. Review status: criteria provided, single submitter. Criteria: ACMG Guidelines, 2015. Collection method: clinical testing. Allele origin: germline. Observed: 636 variant alleles.

Genome-Nilou Lab
Classification: Benign for Sitosterolemia 1. Last evaluated: 2021-07-14. Review status: criteria provided, single submitter. Criteria: ACMG Guidelines, 2015. Collection method: clinical testing. Allele origin: germline. Affected: no.

GeneDx
Classification: Benign. Last evaluated: 2018-07-09. Review status: criteria provided, single submitter. Criteria: GeneDx Variant Classification Process June 2021. Collection method: clinical testing. Allele origin: germline. Affected: yes.

Breakthrough Genomics
Classification: Benign. Review status: criteria provided, single submitter. Criteria: ACMG Guidelines, 2015. Collection method: not provided. Allele origin: germline. Inheritance: Autosomal recessive inheritance. Affected: yes.

NM_022437.3(ABCG8):c.64-21C>A

Gene: ABCG8 (ATP binding cassette subfamily G member 8; plus strand). Cytogenetic location: 2p21.
Variant type: single nucleotide variant.
Coding change: c.64-21C>A on transcript NM_022437.3 (MANE Select); 21 bases into the intron before coding-DNA position 64, C replaced by A.
Molecular consequence: intron variant.
Genome position (GRCh38, 1-based): chr2:43,844,486, C>A. VCF-style: chr2-43844486-C-A. GRCh37 (hg19) VCF-style: chr2-44071625-C-A.
Other names: p.?; c.64-21C>A (NM_001357321.2, NM_022437.2).
Identifiers: ClinVar variation 1188926 (VCV001188926.8), dbSNP rs4148209, ClinGen allele CA1636875.